The following is an entry in ClinVar:

NM_004168.4(SDHA):c.596C>G (p.Ser199Trp)

Gene: SDHA (succinate dehydrogenase complex flavoprotein subunit A; plus strand). Cytogenetic location: 5p15.33.
Variant type: single nucleotide variant.
Coding change: c.596C>G on transcript NM_004168.4 (MANE Select); coding-DNA position 596, C replaced by G.
Protein change: p.Ser199Trp; replaces serine 199 with tryptophan.
Molecular consequence: missense variant.
Genome position (GRCh38, 1-based): chr5:226,022, C>G. VCF-style: chr5-226022-C-G. GRCh37 (hg19) VCF-style: chr5-226137-C-G.
Other names: c.452C>G, p.Ser151Trp (NM_001294332.2); c.596C>G, p.Ser199Trp (NM_001330758.2); short protein forms S151W, S199W.
Identifiers: ClinVar variation 1750775 (VCV001750775.6), dbSNP rs878854633, ClinGen allele CA359010595.

ClinVar aggregate classification (germline): Uncertain significance. Review status: criteria provided, multiple submitters, no conflicts (2 of 4 stars). 2 submissions from 2 submitters: Uncertain significance (2). Last evaluated 2026-06-16.

Conditions:
Mitochondrial complex II deficiency, nuclear type 1. Also called: SUCCINATE CoQ REDUCTASE DEFICIENCY. Identifiers: Orphanet 3208, MedGen C5700310, MONDO:0100294, OMIM 252011.
Pheochromocytoma/paraganglioma syndrome 5. Also called: Paragangliomas 5; SDHA-Related Hereditary Paraganglioma-Pheochromocytoma Syndrome. Identifiers: Orphanet 29072, MedGen C3279992, MONDO:0013602, OMIM 614165.
Hereditary cancer-predisposing syndrome. Also called: Hereditary Cancer Syndrome; Hereditary neoplastic syndrome; Neoplastic Syndromes, Hereditary; Tumor predisposition. Identifiers: Orphanet 140162, MedGen C0027672, MeSH D009386, MONDO:0015356.

gnomAD v4.1: 1 of 1,614,162 alleles (0.000062%); highest among the groups gnomAD compares: Non-Finnish European, 0.000085%; no homozygotes.

Submissions (2):

Ambry Genetics
Classification: Uncertain significance for Hereditary cancer-predisposing syndrome. Last evaluated: 2026-06-16. Review status: criteria provided, single submitter. Criteria: Ambry Variant Classification Scheme 2023. Collection method: clinical testing. Allele origin: germline.
Comment: The p.S199W variant (also known as c.596C>G), located in coding exon 5 of the SDHA gene, results from a C to G substitution at nucleotide position 596. The serine at codon 199 is replaced by tryptophan, an amino acid with highly dissimilar properties. This amino acid position is highly conserved in available vertebrate species. In addition, this alteration is predicted to be deleterious by in silico analysis. Based on the available evidence, the clinical significance of this variant remains unclear.

Labcorp Genetics (formerly Invitae), Labcorp
Classification: Uncertain significance for Pheochromocytoma/paraganglioma syndrome 5; Mitochondrial complex II deficiency, nuclear type 1. Last evaluated: 2024-04-09. Review status: criteria provided, single submitter. Criteria: Invitae Variant Classification Sherloc (09022015). Collection method: clinical testing. Allele origin: germline.
Comment: This sequence change replaces serine, which is neutral and polar, with tryptophan, which is neutral and slightly polar, at codon 199 of the SDHA protein (p.Ser199Trp). This variant is not present in population databases (gnomAD no frequency). This variant has not been reported in the literature in individuals affected with SDHA-related conditions. ClinVar contains an entry for this variant (Variation ID: 1750775). Advanced modeling of protein sequence and biophysical properties (such as structural, functional, and spatial information, amino acid conservation, physicochemical variation, residue mobility, and thermodynamic stability) has been performed at Invitae for this missense variant, however the output from this modeling did not meet the statistical confidence thresholds required to predict the impact of this variant on SDHA protein function. In summary, the available evidence is currently insufficient to determine the role of this variant in disease. Therefore, it has been classified as a Variant of Uncertain Significance.